The following is an entry in ClinVar:

ClinVar aggregate classification (germline): Uncertain significance (1 of 4 stars; one submission).

Conditions:
Joubert syndrome 13 (JBTS13). Identifiers: Orphanet 475, MedGen C3280031, MONDO:0013608, OMIM 614173.

Allele frequency attached by ClinVar (database versions not stated): gnomAD exomes below 0.00001; gnomAD 0.00001; TOPMed 0.00001.
gnomAD v4.1: 5 of 1,613,992 alleles (0.00031%); highest among the groups gnomAD compares: Non-Finnish European, 0.00034%; no homozygotes.

Submission:

Broad Center for Mendelian Genomics, Broad Institute of MIT and Harvard
Classification: Uncertain significance for Joubert syndrome 13. Last evaluated: 2018-06-15. Review status: criteria provided, single submitter. Criteria: ACMG Guidelines, 2015. Collection method: research. Allele origin: germline. Inheritance: Autosomal recessive inheritance. Affected: yes.
Comment: This variant has been identified in <0.01% (1/111676) of European (Non-Finnish) chromosomes by the Genome Aggregation Database (gnomAD;). Although this variant has been seen in the general population, its frequency is low enough to be consistent with a recessive carrier frequency. The Leucine (Leu) at position 230 is not highly conserved in mammals and evolutionarily distant species, raising the possibility that a change at this position may be tolerated. Computational prediction tools do not provide strong support for or against an impact to the protein. In summary, the clinical significance of this variant is uncertain.

NM_001082538.3(TCTN1):c.689T>C (p.Leu230Pro)

Gene: TCTN1 (tectonic family member 1; plus strand). Cytogenetic location: 12q24.11.
Variant type: single nucleotide variant.
Coding change: c.689T>C on transcript NM_001082538.3 (MANE Select); coding-DNA position 689, T replaced by C.
Protein change: p.Leu230Pro; replaces leucine 230 with proline.
Molecular consequence: missense variant. On other transcripts: non-coding transcript variant (1).
Genome position (GRCh38, 1-based): chr12:110,632,536, T>C. VCF-style: chr12-110632536-T-C. GRCh37 (hg19) VCF-style: chr12-111070341-T-C.
Other names: c.689T>C, p.Leu230Pro (NM_001082537.3, NM_001319680.2, NM_024549.6); c.521T>C, p.Leu174Pro (NM_001173975.3); c.509T>C, p.Leu170Pro (NM_001173976.2); c.155T>C, p.Leu52Pro (NM_001319681.2); short protein forms L230P, L52P, L170P, L174P.
Identifiers: ClinVar variation 635023 (VCV000635023.1), dbSNP rs1225241777, ClinGen allele CA386703282.